The following is an entry in ClinVar:

NC_000013.10:g.(?_111102026)_(111176544_?)dup

Genes: COL4A2 (collagen type IV alpha 2 chain; plus strand), RAB20 (RAB20, member RAS oncogene family; minus strand). Cytogenetic location: 13q34.
Variant type: Duplication.
Identifiers: ClinVar variation 1010761 (VCV001010761.1).

ClinVar aggregate classification (germline): Uncertain significance (1 of 4 stars; one submission).

Submission:

Labcorp Genetics (formerly Invitae), Labcorp
Classification: Uncertain significance. Last evaluated: 2019-11-06. Review status: criteria provided, single submitter. Criteria: Invitae Variant Classification Sherloc (09022015). Collection method: clinical testing. Allele origin: germline.
Comment: A gross duplication of the genomic region encompassing the full coding sequence of the COL4A2 gene has been identified. The boundaries of this event are unknown as the duplication extends beyond the assayed region for this gene and therefore may encompass additional genes. As the precise location of this duplication is unknown, it may be in tandem or it may be located elsewhere in the genome. A similar duplication has not been reported in the literature in individuals with COL4A2-related disease. In summary, the available evidence is currently insufficient to determine the role of this variant in disease. Therefore, it has been classified as a Variant of Uncertain Significance.